The following is an entry in ClinVar:

ClinVar aggregate classification (germline): Uncertain significance. Review status: criteria provided, multiple submitters, no conflicts (2 of 4 stars). 2 submissions from 2 submitters: Uncertain significance (2). Last evaluated 2025-08-28.

Conditions:
Primary ciliary dyskinesia. Also called: Ciliary dyskinesia. Identifiers: Orphanet 244, MedGen C0008780, MONDO:0016575, HP:0012265.

Allele frequency attached by ClinVar (database versions not stated): ExAC 0.00002; TOPMed 0.00002; gnomAD 0.00003.
gnomAD v4.1: 140 of 1,588,420 alleles (0.0088%); highest among the groups gnomAD compares: Non-Finnish European, 0.012%; 1 homozygote.

Submissions (2):

Ambry Genetics
Classification: Uncertain significance for Primary ciliary dyskinesia. Last evaluated: 2025-08-28. Review status: criteria provided, single submitter. Criteria: Ambry Variant Classification Scheme 2023. Collection method: clinical testing. Allele origin: germline.

Labcorp Genetics (formerly Invitae), Labcorp
Classification: Uncertain significance for Primary ciliary dyskinesia. Last evaluated: 2022-08-06. Review status: criteria provided, single submitter. Criteria: Invitae Variant Classification Sherloc (09022015). Collection method: clinical testing. Allele origin: germline.
Comment: This sequence change replaces leucine, which is neutral and non-polar, with arginine, which is basic and polar, at codon 421 of the DNAAF1 protein (p.Leu421Arg). This variant is present in population databases (rs749541341, gnomAD 0.006%), including at least one homozygous and/or hemizygous individual. This variant has not been reported in the literature in individuals affected with DNAAF1-related conditions. Algorithms developed to predict the effect of missense changes on protein structure and function (SIFT, PolyPhen-2, Align-GVGD) all suggest that this variant is likely to be tolerated. In summary, the available evidence is currently insufficient to determine the role of this variant in disease. Therefore, it has been classified as a Variant of Uncertain Significance.

NM_178452.6(DNAAF1):c.1262T>G (p.Leu421Arg)

Gene: DNAAF1 (dynein axonemal assembly factor 1; plus strand). Cytogenetic location: 16q24.1.
Variant type: single nucleotide variant.
Coding change: c.1262T>G on transcript NM_178452.6 (MANE Select); coding-DNA position 1262, T replaced by G.
Protein change: p.Leu421Arg; replaces leucine 421 with arginine.
Molecular consequence: missense variant.
Genome position (GRCh38, 1-based): chr16:84,170,090, T>G. VCF-style: chr16-84170090-T-G. GRCh37 (hg19) VCF-style: chr16-84203696-T-G.
Other names: c.1262T>G (NM_178452.4); c.554T>G, p.Leu185Arg (NM_001318756.1); short protein forms L185R, L421R.
Identifiers: ClinVar variation 2175861 (VCV002175861.2), dbSNP rs749541341, ClinGen allele CA8202809.